The following is an entry in ClinVar:

ClinVar aggregate classification (germline): Likely benign. Review status: criteria provided, multiple submitters, no conflicts (2 of 4 stars). 3 submissions from 3 submitters: Likely benign (3). Last evaluated 2026-07-01.

Allele frequency attached by ClinVar (database versions not stated): 1000 Genomes Project 0.00040; 1000 Genomes Project 30x 0.00062; ExAC 0.00254; gnomAD exomes 0.00264 and 0.00448; gnomAD 0.00304 and 0.00319; TOPMed 0.00315; ESP Exome Variant Server 0.00385.
gnomAD v4.1: 7,050 of 1,613,934 alleles (0.44%); highest among the groups gnomAD compares: Non-Finnish European, 0.54%; 17 homozygotes.

Submissions (3):

CeGaT Center for Human Genetics Tuebingen
Classification: Likely benign. Last evaluated: 2026-07-01. Review status: criteria provided, single submitter. Criteria: CeGaT Center For Human Genetics Tuebingen Variant Classification Criteria Version 2. Collection method: clinical testing. Allele origin: germline. Affected: yes. Observed: 15 variant alleles.
Comment: CARS1: BP4, BP7, BS2

Blueprint Genetics
Classification: Likely benign. Last evaluated: 2024-11-05. Review status: criteria provided, single submitter. Criteria: ACMG Guidelines, 2015. Collection method: clinical testing. Allele origin: germline.

Breakthrough Genomics
Classification: Likely benign. Review status: criteria provided, single submitter. Criteria: ACMG Guidelines, 2015. Collection method: not provided. Allele origin: germline. Inheritance: Autosomal recessive inheritance. Affected: yes.

NM_001014437.3(CARS1):c.450C>T (p.His150=)

Genes: CARS1-AS1 (CARS1 antisense RNA 1; plus strand), CARS1 (cysteinyl-tRNA synthetase 1; minus strand), LOC126861115 (BRD4-independent group 4 enhancer GRCh37_chr11:3061281-3062480; plus strand). Cytogenetic location: 11p15.4.
Variant type: single nucleotide variant.
Coding change: c.450C>T on transcript NM_001014437.3 (MANE Select); coding-DNA position 450, C replaced by T.
Protein change: p.His150=; no amino-acid change (histidine 150 retained).
Molecular consequence: synonymous variant. On other transcripts: non-coding transcript variant (5), 5 prime UTR variant (1).
Genome position (GRCh38, 1-based): chr11:3,040,901, G>A on the plus strand (C>T on the coding strand, the complement: CARS1 is on the minus strand). VCF-style: chr11-3040901-G-A. GRCh37 (hg19) VCF-style: chr11-3062131-G-A.
Other names: c.450C>T, p.His150= (NM_001194997.2); c.240C>T, p.His80= (NM_001378136.1); c.171C>T, p.His57= (NM_001378137.1, NM_001378138.1, NM_001378139.1); c.-524C>T (NM_001378140.1); c.201C>T, p.His67= (NM_001751.6, NM_139273.4).
Identifiers: ClinVar variation 1176891 (VCV001176891.37), dbSNP rs61737270, ClinGen allele CA5824402.
Genomic context (GRCh38, chr11:3,040,901, plus strand): 5'-TCTGACTTCTGCGTGCAACTGCAGAAGCTGCAGGGACACCCCGCGGTGGACCTACCTGGC[G>A]TGCCCCATGTGAGATGCGTCATAGACGGTTGGCCCACAGCAATACCACGTCACCTTTTTC-3'
Protein context (NP_001014437.1, residues 140-160): PTVYDASHMG[His150=]ARSYISFDIL